The following is an entry in ClinVar:

ClinVar aggregate classification (germline): Uncertain significance (1 of 4 stars; one submission).

Submission:

Women's Health and Genetics/Laboratory Corporation of America, LabCorp
Classification: Uncertain significance. Last evaluated: 2024-12-03. Review status: criteria provided, single submitter. Criteria: LabCorp Variant Classification Summary - May 2015. Collection method: clinical testing. Allele origin: germline.
Comment: Variant summary: KCNQ1 c.780+7G>A alters a non-conserved nucleotide located close to a canonical splice site and therefore could affect mRNA splicing, leading to a significantly altered protein sequence. Consensus agreement among computation tools predict no significant impact on normal splicing. However, these predictions have yet to be confirmed by functional studies. The variant was absent in 242734 control chromosomes. The available data on variant occurrences in the general population are insufficient to allow any conclusion about variant significance. To our knowledge, no occurrence of c.780+7G>A in individuals affected with Jervell And Lange-Nielsen Syndrome and no experimental evidence demonstrating its impact on protein function have been reported. No submitters have cited clinical-significance assessments for this variant to ClinVar. Based on the evidence outlined above, the variant was classified as uncertain significance.

NM_000218.3(KCNQ1):c.780+7G>A

Gene: KCNQ1 (potassium voltage-gated channel subfamily Q member 1; plus strand). Cytogenetic location: 11p15.5.
Variant type: single nucleotide variant.
Coding change: c.780+7G>A on transcript NM_000218.3 (MANE Select); 7 bases into the intron after coding-DNA position 780, G replaced by A.
Molecular consequence: intron variant.
Genome position (GRCh38, 1-based): chr11:2,572,116, G>A. VCF-style: chr11-2572116-G-A. GRCh37 (hg19) VCF-style: chr11-2593346-G-A.
Other names: c.510+7G>A (NM_001406837.1); c.780+7G>A (NM_001406836.1); c.478-11319G>A (NM_001406838.1); c.399+7G>A (NM_181798.2).
Identifiers: ClinVar variation 3768316 (VCV003768316.1).